The following is an entry in ClinVar:

NM_000059.4(BRCA2):c.10127C>T (p.Ser3376Leu)

Gene: BRCA2 (BRCA2 DNA repair associated; plus strand). Cytogenetic location: 13q13.1.
Variant type: single nucleotide variant.
Coding change: c.10127C>T on transcript NM_000059.4 (MANE Select); coding-DNA position 10127, C replaced by T.
Protein change: p.Ser3376Leu; replaces serine 3376 with leucine.
Molecular consequence: missense variant. On other transcripts: non-coding transcript variant (1).
Genome position (GRCh38, 1-based): chr13:32,398,640, C>T. VCF-style: chr13-32398640-C-T. GRCh37 (hg19) VCF-style: chr13-32972777-C-T.
Other names: c.10031C>T, p.Ser3344Leu (NM_001406719.1); c.10076C>T, p.Ser3359Leu (NM_001406720.1); c.5195C>T, p.Ser1732Leu (NM_001406721.1); c.3710C>T, p.Ser1237Leu (NM_001406722.1); c.10127C>T, p.Ser3376Leu (NM_001432077.1); short protein forms S1237L, S1732L, S3344L, S3359L, S3376L.
Identifiers: ClinVar variation 3907069 (VCV003907069.1).

ClinVar aggregate classification (germline): Uncertain significance (1 of 4 stars; one submission).

Submission:

Women's Health and Genetics/Laboratory Corporation of America, LabCorp
Classification: Uncertain significance. Last evaluated: 2025-06-17. Review status: criteria provided, single submitter. Criteria: LabCorp Variant Classification Summary - May 2015. Collection method: clinical testing. Allele origin: germline.
Comment: Variant summary: BRCA2 c.10127C>T (p.Ser3376Leu) results in a non-conservative amino acid change in the encoded protein sequence. Algorithms developed to predict the effect of missense changes on protein structure and function are either unavailable or do not agree on the potential impact of this missense change. The variant was absent in 251258 control chromosomes. The available data on variant occurrences in the general population are insufficient to allow any conclusion about variant significance. To our knowledge, no occurrence of c.10127C>T in individuals affected with Hereditary Breast And Ovarian Cancer Syndrome and no experimental evidence demonstrating its impact on protein function have been reported. No submitters have cited clinical-significance assessments for this variant to ClinVar. Based on the evidence outlined above, the variant was classified as uncertain significance.